The following is an entry in ClinVar:

ClinVar aggregate classification (germline): Uncertain significance (1 of 4 stars; one submission).

Conditions:
TNF receptor-associated periodic fever syndrome (TRAPS) (FPF). Also called: TNF receptor 1-associated periodic fever syndrome; TNF Receptor-Associated Periodic Fever Syndrome; Autosomal Dominant Familial Periodic Fever; FAMILIAL HIBERNIAN FEVER; TNF RECEPTOR-ASSOCIATED PERIODIC SYNDROME; TUMOR NECROSIS FACTOR RECEPTOR-ASSOCIATED PERIODIC SYNDROME. Identifiers: Orphanet 32960, MedGen C1275126, MONDO:0007727, OMIM 142680.

Submission:

Labcorp Genetics (formerly Invitae), Labcorp
Classification: Uncertain significance for TNF receptor-associated periodic fever syndrome (TRAPS). Last evaluated: 2018-08-01. Review status: criteria provided, single submitter. Criteria: Invitae Variant Classification Sherloc (09022015). Collection method: clinical testing. Allele origin: germline.
Comment: This sequence change replaces proline with arginine at codon 32 of the TNFRSF1A protein (p.Pro32Arg). The proline residue is moderately conserved and there is a moderate physicochemical difference between proline and arginine. This variant is not present in population databases (ExAC no frequency). This variant has not been reported in the literature in individuals with TNFRSF1A-related disease. Algorithms developed to predict the effect of missense changes on protein structure and function are either unavailable or do not agree on the potential impact of this missense change (SIFT: "Deleterious"; PolyPhen-2: "Possibly Damaging"; Align-GVGD: "Class C0"). In summary, the available evidence is currently insufficient to determine the role of this variant in disease. Therefore, it has been classified as a Variant of Uncertain Significance.

NM_001065.4(TNFRSF1A):c.95C>G (p.Pro32Arg)

Gene: TNFRSF1A (TNF receptor superfamily member 1A; minus strand). Cytogenetic location: 12p13.31.
Variant type: single nucleotide variant.
Coding change: c.95C>G on transcript NM_001065.4 (MANE Select); coding-DNA position 95, C replaced by G.
Protein change: p.Pro32Arg; replaces proline 32 with arginine.
Molecular consequence: missense variant. On other transcripts: 5 prime UTR variant (1), non-coding transcript variant (1), intron variant (1).
Genome position (GRCh38, 1-based): chr12:6,334,189, G>C on the plus strand (C>G on the coding strand, the complement: TNFRSF1A is on the minus strand). VCF-style: chr12-6334189-G-C. GRCh37 (hg19) VCF-style: chr12-6443355-G-C.
Other names: c.-483C>G (NM_001346092.2); c.-131-324C>G (NM_001346091.2); short protein forms P32R.
Identifiers: ClinVar variation 643170 (VCV000643170.8), dbSNP rs1592048275, ClinGen allele CA383551126.